The following is an entry in ClinVar:

NM_016156.6(MTMR2):c.1474A>T (p.Arg492Ter)

Gene: MTMR2 (myotubularin related protein 2; minus strand). Cytogenetic location: 11q21.
Variant type: single nucleotide variant.
Coding change: c.1474A>T on transcript NM_016156.6 (MANE Select); coding-DNA position 1474, A replaced by T.
Protein change: p.Arg492Ter; replaces arginine 492 with a stop codon.
Molecular consequence: nonsense.
Genome position (GRCh38, 1-based): chr11:95,841,622, T>A on the plus strand (A>T on the coding strand, the complement: MTMR2 is on the minus strand). VCF-style: chr11-95841622-T-A. GRCh37 (hg19) VCF-style: chr11-95574786-T-A.
Other names: c.1258A>T, p.Arg420Ter (NM_001243571.2, NM_201278.3, NM_201281.3); short protein forms R492*, R420*.
Identifiers: ClinVar variation 3666754 (VCV003666754.2).

ClinVar aggregate classification (germline): Pathogenic (1 of 4 stars; one submission).

Conditions:
Charcot-Marie-Tooth disease type 4. Also called: Charcot-Marie-Tooth disease, type IV; Charcot-Marie-Tooth, Type 4. Identifiers: Orphanet 64749, MedGen C4082197, MONDO:0018995.

gnomAD v4.1: 6 of 1,609,552 alleles (0.00037%); highest among the groups gnomAD compares: Non-Finnish European, 0.00051%; no homozygotes.

Submission:

Labcorp Genetics (formerly Invitae), Labcorp
Classification: Pathogenic for Charcot-Marie-Tooth disease type 4. Last evaluated: 2024-05-01. Review status: criteria provided, single submitter. Criteria: Invitae Variant Classification Sherloc (09022015). Collection method: clinical testing. Allele origin: germline.
Comment: This sequence change creates a premature translational stop signal (p.Arg492*) in the MTMR2 gene. It is expected to result in an absent or disrupted protein product. Loss-of-function variants in MTMR2 are known to be pathogenic (PMID: 10802647). This variant is not present in population databases (gnomAD no frequency). This variant has not been reported in the literature in individuals affected with MTMR2-related conditions. For these reasons, this variant has been classified as Pathogenic.

Literature cited by the submitters: PubMed 10802647.